The following is an entry in ClinVar:

NM_001009944.3(PKD1):c.3113C>T (p.Ala1038Val)

Gene: PKD1 (polycystin 1, transient receptor potential channel interacting; minus strand). Cytogenetic location: 16p13.3.
Variant type: single nucleotide variant.
Coding change: c.3113C>T on transcript NM_001009944.3 (MANE Select); coding-DNA position 3113, C replaced by T.
Protein change: p.Ala1038Val; replaces alanine 1038 with valine.
Molecular consequence: missense variant.
Genome position (GRCh38, 1-based): chr16:2,112,836, G>A on the plus strand (C>T on the coding strand, the complement: PKD1 is on the minus strand). VCF-style: chr16-2112836-G-A. GRCh37 (hg19) VCF-style: chr16-2162837-G-A.
Other names: c.3113C>T, p.Ala1038Val (NM_000296.4); short protein forms A1038V.
Identifiers: ClinVar variation 4994975 (VCV004994975.1).
Genomic context (GRCh38, chr16:2,112,836, plus strand): 5'-CGAGTCACTCACAGGAAGGCCACCTCCACGGCCGAGTCCACCAGCACGCCCGCCGTCAGT[G>A]CTAGCGTGGCATTGGGGGACAGCACGGCCGGCACTGTGGAGACCTGCAGACCCTGCATCC-3'
Protein context (NP_001009944.3, residues 1028-1048): PAVLSPNATL[Ala1038Val]LTAGVLVDSA

ClinVar aggregate classification (germline): Uncertain significance (1 of 4 stars; one submission).

Conditions:
PKD1-related disorder. Also called: PKD1-related condition.

gnomAD v4.1: 4 of 1,603,396 alleles (0.00025%); highest among the groups gnomAD compares: African/African-American, 0.0013%; no homozygotes.

Submission:

PreventionGenetics, part of Exact Sciences
Classification: Uncertain significance for PKD1-related condition. Last evaluated: 2026-04-29. Review status: criteria provided, single submitter. Criteria: ACMG Guidelines, 2015. Collection method: clinical testing. Allele origin: germline.
Comment: The PKD1 c.3113C>T variant is predicted to result in the amino acid substitution p.Ala1038Val. To our knowledge, this variant has not been reported in the literature or in a large population database (gnomAD), indicating this variant is rare. At this time, the clinical significance of this variant is uncertain due to the absence of conclusive functional and genetic evidence.